The following is an entry in ClinVar:

NM_001384125.1(BLTP1):c.9225A>C (p.Glu3075Asp)

Gene: BLTP1 (bridge-like lipid transfer protein family member 1; plus strand). Cytogenetic location: 4q27.
Variant type: single nucleotide variant.
Coding change: c.9225A>C on transcript NM_001384125.1 (MANE Select); coding-DNA position 9225, A replaced by C.
Protein change: p.Glu3075Asp; replaces glutamic acid 3075 with aspartic acid.
Molecular consequence: missense variant.
Genome position (GRCh38, 1-based): chr4:122,286,728, A>C. VCF-style: chr4-122286728-A-C. GRCh37 (hg19) VCF-style: chr4-123207883-A-C.
Other names: c.9225A>C, p.Glu3075Asp (NM_015312.4); short protein forms E3075D.
Identifiers: ClinVar variation 1033767 (VCV001033767.1), dbSNP rs1433589281, ClinGen allele CA358078493.

ClinVar aggregate classification (germline): Uncertain significance (1 of 4 stars; one submission).

Conditions:
Alkuraya-Kucinskas syndrome. Identifiers: Orphanet 610569, MedGen C4693347, MONDO:0060631, OMIM 617822.

gnomAD v4.1: 16 of 1,613,956 alleles (0.00099%); highest among the groups gnomAD compares: East Asian, 0.0045%; no homozygotes.

Submission:

Baylor Genetics
Classification: Uncertain significance for Alkuraya-Kucinskas syndrome. Last evaluated: 2018-09-05. Review status: criteria provided, single submitter. Criteria: ACMG Guidelines, 2015. Collection method: clinical testing. Allele origin: paternal. Affected: yes.
Comment: This variant was determined to be of uncertain significance according to ACMG Guidelines, 2015 [PMID:25741868].